The following is an entry in ClinVar:

ClinVar aggregate classification (germline): Uncertain significance. Review status: criteria provided, multiple submitters, no conflicts (2 of 4 stars). 3 submissions from 3 submitters: Uncertain significance (2). 1 of the submissions does not count toward it. Last evaluated 2024-01-17.

Conditions:
Inborn genetic diseases. Identifiers: MedGen C0950123, MeSH D030342.
ALG12-related disorder. Also called: ALG12-related condition.
ALG12-congenital disorder of glycosylation (CDG1G). Also called: Congenital disorder of glycosylation, type Ig; CDG Ig; ALG12-CDG. Identifiers: Orphanet 79324, MedGen C2931001, MONDO:0011783, OMIM 607143.

Allele frequency attached by ClinVar (database versions not stated): 1000 Genomes Project 0.00040; TOPMed 0.00045; 1000 Genomes Project 30x 0.00047; ESP Exome Variant Server 0.00069.
gnomAD v4.1: 130 of 1,613,702 alleles (0.0081%); highest among the groups gnomAD compares: African/African-American, 0.15%; no homozygotes.

Submissions (3):

Ambry Genetics
Classification: Uncertain significance for Inborn genetic diseases. Last evaluated: 2024-01-17. Review status: criteria provided, single submitter. Criteria: Ambry Variant Classification Scheme 2023. Collection method: clinical testing. Allele origin: germline.

Labcorp Genetics (formerly Invitae), Labcorp
Classification: Uncertain significance for ALG12-congenital disorder of glycosylation. Last evaluated: 2022-08-31. Review status: criteria provided, single submitter. Criteria: Invitae Variant Classification Sherloc (09022015). Collection method: clinical testing. Allele origin: germline.
Comment: This sequence change replaces arginine, which is basic and polar, with tryptophan, which is neutral and slightly polar, at codon 10 of the ALG12 protein (p.Arg10Trp). This variant is present in population databases (rs148343441, gnomAD 0.1%). This variant has not been reported in the literature in individuals affected with ALG12-related conditions. ClinVar contains an entry for this variant (Variation ID: 1446469). Algorithms developed to predict the effect of missense changes on protein structure and function output the following: SIFT: "Tolerated"; PolyPhen-2: "Benign"; Align-GVGD: "Class C0". The tryptophan amino acid residue is found in multiple mammalian species, which suggests that this missense change does not adversely affect protein function. Algorithms developed to predict the effect of sequence changes on RNA splicing suggest that this variant may create or strengthen a splice site. In summary, the available evidence is currently insufficient to determine the role of this variant in disease. Therefore, it has been classified as a Variant of Uncertain Significance.

PreventionGenetics, part of Exact Sciences
Classification: Likely benign for ALG12-related condition. Last evaluated: 2024-04-17. Review status: no assertion criteria provided. Collection method: clinical testing. Allele origin: germline. Not counted in ClinVar's aggregate classification.
Comment: This variant is classified as likely benign based on ACMG/AMP sequence variant interpretation guidelines (Richards et al. 2015 PMID: 25741868, with internal and published modifications).

NM_024105.4(ALG12):c.28C>T (p.Arg10Trp)

Gene: ALG12 (ALG12 alpha-1,6-mannosyltransferase; minus strand). Cytogenetic location: 22q13.33.
Variant type: single nucleotide variant.
Coding change: c.28C>T on transcript NM_024105.4 (MANE Select); coding-DNA position 28, C replaced by T.
Protein change: p.Arg10Trp; replaces arginine 10 with tryptophan.
Molecular consequence: missense variant.
Genome position (GRCh38, 1-based): chr22:49,913,738, G>A on the plus strand (C>T on the coding strand, the complement: ALG12 is on the minus strand). VCF-style: chr22-49913738-G-A. GRCh37 (hg19) VCF-style: chr22-50307386-G-A.
Other names: c.28C>T (NM_024105.3); short protein forms R10W.
Identifiers: ClinVar variation 1446469 (VCV001446469.5), dbSNP rs148343441, ClinGen allele CA10300756.
Genomic context (GRCh38, chr22:49,913,738, plus strand): 5'-AGGGACAGATGACCAGGTGGACAGTGGCTACGGCCACCAGCAGCCCCAGCAGCAGGGGCC[G>A]CCTGCCTGATGACCCCTTTCCAGCCATTCCAGGCTTTCAGCTTCACGTACCTTCACAGGC-3'
Protein context (NP_077010.1, residues 1-20): MAGKGSSGR[Arg10Trp]PLLLGLLVAV